The following is an entry in ClinVar:

ClinVar aggregate classification (germline): Pathogenic. Review status: criteria provided, multiple submitters, no conflicts (2 of 4 stars). 2 submissions from 2 submitters: Pathogenic (2). Last evaluated 2023-07-17.

Conditions:
Primary ciliary dyskinesia. Also called: Ciliary dyskinesia. Identifiers: Orphanet 244, MedGen C0008780, MONDO:0016575, HP:0012265.
Primary ciliary dyskinesia 7. Also called: CILIARY DYSKINESIA, PRIMARY, 7, WITH OR WITHOUT SITUS INVERSUS. Identifiers: Orphanet 244, MedGen C2678473, MONDO:0012748, OMIM 611884.

Submissions (2):

Victorian Clinical Genetics Services, Murdoch Childrens Research Institute
Classification: Pathogenic for Primary ciliary dyskinesia 7. Last evaluated: 2023-07-17. Review status: criteria provided, single submitter. Criteria: ACMG Guidelines, 2015. Collection method: clinical testing. Allele origin: germline. Inheritance: Autosomal recessive inheritance.
Comment: Based on the classification scheme VCGS_Germline_v1.3.4, this variant is classified as Pathogenic. Following criteria are met: 0102 - Loss of function is a known mechanism of disease in this gene and is associated with primary ciliary dyskinesia 7, with or without situs inversus (MIM#611884). (I) 0106 - This gene is associated with autosomal recessive disease. (I) 0201 - Variant is predicted to cause nonsense-mediated decay (NMD) and loss of protein (premature termination codon is located at least 54 nucleotides upstream of the final exon-exon junction). (SP) 0251 - This variant is heterozygous. (I) 0301 - Variant is absent from gnomAD (both v2 and v3). (SP) 0701 - Other variants predicted to cause NMD comparable to the one identified in this case have very strong previous evidence for pathogenicity (DECIPHER). (SP) 0803 - This variant has limited previous evidence of pathogenicity. It was regarded as pathogenic by a diagnostic laboratory in ClinVar. (I) Legend: (SP) - Supporting pathogenic, (I) - Information, (SB) - Supporting benign

Labcorp Genetics (formerly Invitae), Labcorp
Classification: Pathogenic for Primary ciliary dyskinesia. Last evaluated: 2017-02-28. Review status: criteria provided, single submitter. Criteria: Invitae Variant Classification Sherloc (09022015). Collection method: clinical testing. Allele origin: germline.
Comment: This sequence change creates a premature translational stop signal at codon 2427 (p.Gln2427*) of the DNAH11 gene. It is expected to result in an absent or disrupted protein product. While this particular variant has not been reported in the literature, loss-of-function variants in DNAH11 are known to be pathogenic (PMID: 22184204). For these reasons, this variant has been classified as Pathogenic.

NM_001277115.2(DNAH11):c.7279C>T (p.Gln2427Ter)

Gene: DNAH11 (dynein axonemal heavy chain 11; plus strand). Cytogenetic location: 7p15.3.
Variant type: single nucleotide variant.
Coding change: c.7279C>T on transcript NM_001277115.2 (MANE Select); coding-DNA position 7279, C replaced by T.
Protein change: p.Gln2427Ter; replaces glutamine 2427 with a stop codon.
Molecular consequence: nonsense.
Genome position (GRCh38, 1-based): chr7:21,725,823, C>T. VCF-style: chr7-21725823-C-T. GRCh37 (hg19) VCF-style: chr7-21765441-C-T.
Other names: short protein forms Q2427*.
Identifiers: ClinVar variation 454703 (VCV000454703.2), dbSNP rs202236144, ClinGen allele CA366945492.
Genomic context (GRCh38, chr7:21,725,823, plus strand): 5'-TTTTAATTACTTTGAGTCTGCAATAAGGATTTCTTTTGTTCTCCTTAGATTTCTGATTAT[C>T]AAGCTGACTTCAGTCGGTGGTGGCAGAAAGAGATGAAAGCAGTGAAATTTCCGTCGCAGG-3'